The following is an entry in ClinVar:

NM_000059.4(BRCA2):c.1497G>C (p.Gln499His)

Gene: BRCA2 (BRCA2 DNA repair associated; plus strand). Cytogenetic location: 13q13.1.
Variant type: single nucleotide variant.
Coding change: c.1497G>C on transcript NM_000059.4 (MANE Select); coding-DNA position 1497, G replaced by C.
Protein change: p.Gln499His; replaces glutamine 499 with histidine.
Molecular consequence: missense variant.
Genome position (GRCh38, 1-based): chr13:32,332,975, G>C. VCF-style: chr13-32332975-G-C. GRCh37 (hg19) VCF-style: chr13-32907112-G-C.
Other names: short protein forms Q499H.
Identifiers: ClinVar variation 922661 (VCV000922661.14), dbSNP rs2072414803, ClinGen allele CA387764472.

ClinVar aggregate classification (germline): Conflicting classifications of pathogenicity. Review status: criteria provided, conflicting classifications (1 of 4 stars). 4 submissions from 4 submitters: Uncertain significance (3); Likely benign (1). Last evaluated 2026-07-07.

Conditions:
Hereditary cancer-predisposing syndrome. Also called: Neoplastic Syndromes, Hereditary; Hereditary Cancer Syndrome; Tumor predisposition; Hereditary neoplastic syndrome. Identifiers: Orphanet 140162, MedGen C0027672, MeSH D009386, MONDO:0015356.
Hereditary breast ovarian cancer syndrome. Also called: Hereditary breast and ovarian cancer syndrome; Hereditary breast and/or ovarian cancer syndrome; Breast and ovarian cancer; BRCA1- and BRCA2-Associated Hereditary Breast and Ovarian Cancer; Hereditary breast and ovarian cancer; Hereditary breast and ovarian cancer syndrome (HBOC). Identifiers: Orphanet 145, MedGen C0677776, MeSH D061325, MONDO:0003582. Disease mechanism: loss of function.

Allele frequency attached by ClinVar (database versions not stated): TOPMed below 0.00001.
gnomAD v4.1: 1 of 1,595,456 alleles (0.000063%); highest among the groups gnomAD compares: Non-Finnish European, 0.000085%; no homozygotes.

Submissions (4):

Ambry Genetics
Classification: Uncertain significance for Hereditary cancer-predisposing syndrome. Last evaluated: 2026-07-07. Review status: criteria provided, single submitter. Criteria: Ambry Variant Classification Scheme 2023. Collection method: clinical testing. Allele origin: germline.
Comment: The p.Q499H variant (also known as c.1497G>C), located in coding exon 9 of the BRCA2 gene, results from a G to C substitution at nucleotide position 1497. The glutamine at codon 499 is replaced by histidine, an amino acid with highly similar properties. This amino acid position is conserved. In addition, this alteration is predicted to be tolerated by in silico analysis. Based on the available evidence, the clinical significance of this variant remains unclear.

Color Diagnostics, LLC DBA Color Health
Classification: Uncertain significance for Hereditary cancer-predisposing syndrome. Last evaluated: 2023-12-05. Review status: criteria provided, single submitter. Criteria: ACMG Guidelines, 2015. Collection method: clinical testing. Allele origin: germline.
Comment: This missense variant replaces glutamine with histidine at codon 499 of the BRCA2 protein. Computational prediction suggests that this variant may not impact protein structure and function (internally defined REVEL score threshold <= 0.5, PMID: 27666373). To our knowledge, functional studies have not been reported for this variant. This variant has not been reported in individuals affected with BRCA2-related disorders in the literature. This variant has not been identified in the general population by the Genome Aggregation Database (gnomAD). The available evidence is insufficient to determine the role of this variant in disease conclusively. Therefore, this variant is classified as a Variant of Uncertain Significance.

University of Washington Department of Laboratory Medicine, University of Washington
Classification: Likely benign for Hereditary cancer-predisposing syndrome. Last evaluated: 2023-03-23. Review status: criteria provided, single submitter. Criteria: Dines et al. (Genet Med. 2020). Collection method: curation. Allele origin: germline.
Comment: Missense variant in a coldspot region where missense variants are very unlikely to be pathogenic (PMID:31911673).

BRCA2 exon 10 coldspot. Reclassification based on statistical prior probability.

Labcorp Genetics (formerly Invitae), Labcorp
Classification: Uncertain significance for Hereditary breast ovarian cancer syndrome. Last evaluated: 2021-04-23. Review status: criteria provided, single submitter. Criteria: Invitae Variant Classification Sherloc (09022015). Collection method: clinical testing. Allele origin: germline.
Comment: This sequence change replaces glutamine with histidine at codon 499 of the BRCA2 protein (p.Gln499His). The glutamine residue is weakly conserved and there is a small physicochemical difference between glutamine and histidine. This variant is not present in population databases (ExAC no frequency). This variant has not been reported in the literature in individuals with BRCA2-related conditions. ClinVar contains an entry for this variant (Variation ID: 922661). Advanced modeling of protein sequence and biophysical properties (such as structural, functional, and spatial information, amino acid conservation, physicochemical variation, residue mobility, and thermodynamic stability) performed at Invitae indicates that this missense variant is not expected to disrupt BRCA2 protein function. In summary, the available evidence is currently insufficient to determine the role of this variant in disease. Therefore, it has been classified as a Variant of Uncertain Significance.